The following is an entry in ClinVar:

ClinVar aggregate classification (germline): Uncertain significance. Review status: criteria provided, multiple submitters, no conflicts (2 of 4 stars). 3 submissions from 3 submitters: Uncertain significance (2). 1 of the submissions does not count toward it. Last evaluated 2025-04-11.

Conditions:
RYR1-related disorder. Also called: RYR1-related condition; RYR1-related disorders. Identifiers: MedGen CN239331.
Malignant hyperthermia, susceptibility to, 1 (MHS1). Also called: Anesthesia related hyperthermia; Malignant hyperpyrexia; Fulminating hyperpyrexia; Pharmacogenic myopathy; RYR1-Related Malignant Hyperthermia Susceptibility; Malignant hyperthermia suceptibility 1. Identifiers: Orphanet 423, MedGen C2930980, MONDO:0007783, OMIM 145600.

Allele frequency attached by ClinVar (database versions not stated): TOPMed 0.00001.

Submissions (3):

GeneDx
Classification: Uncertain significance. Last evaluated: 2025-04-11. Review status: criteria provided, single submitter. Criteria: GeneDx Variant Classification Process June 2021. Collection method: clinical testing. Allele origin: germline. Affected: yes.
Comment: Not observed at significant frequency in large population cohorts (gnomAD); In silico analysis supports that this missense variant has a deleterious effect on protein structure/function; Has not been previously published as pathogenic or benign to our knowledge

All of Us Research Program, National Institutes of Health
Classification: Uncertain significance for Malignant hyperthermia, susceptibility to, 1. Last evaluated: 2024-05-14. Review status: criteria provided, single submitter. Criteria: ACMG Guidelines, 2015. Collection method: clinical testing. Allele origin: germline. Inheritance: Autosomal dominant inheritance. Observed: 3 variant alleles, 3 heterozygotes.
Comment: This missense variant replaces threonine with isoleucine at codon 3837 of the RYR1 protein. Computational prediction suggests that this variant may have deleterious impact on protein structure and function (internally defined REVEL score threshold >= 0.7, PMID: 27666373). To our knowledge, functional studies have not been reported for this variant. This variant has not been reported in individuals affected with RYR1-related disorders in the literature. This variant has not been identified in the general population by the Genome Aggregation Database (gnomAD). The available evidence is insufficient to determine the role of this variant in disease conclusively. Therefore, this variant is classified as a Variant of Uncertain Significance.

This study involves interpretation of variants in research participants for the purpose of population health screening. Participant phenotype was not available at the time of variant classification. Additional details can be found in publication PMID: 35346344, PMCID: PMC8962531

PreventionGenetics, part of Exact Sciences
Classification: Uncertain significance for RYR1-related condition. Last evaluated: 2024-09-04. Review status: no assertion criteria provided. Collection method: clinical testing. Allele origin: germline. Not counted in ClinVar's aggregate classification.
Comment: The RYR1 c.11510C>T variant is predicted to result in the amino acid substitution p.Thr3837Ile. To our knowledge, this variant has not been reported in the literature or in a large population database, indicating this variant is rare. At this time, the clinical significance of this variant is uncertain due to the absence of conclusive functional and genetic evidence.

NM_000540.3(RYR1):c.11510C>T (p.Thr3837Ile)

Gene: RYR1 (ryanodine receptor 1; plus strand). Cytogenetic location: 19q13.2.
Variant type: single nucleotide variant.
Coding change: c.11510C>T on transcript NM_000540.3 (MANE Select); coding-DNA position 11510, C replaced by T.
Protein change: p.Thr3837Ile; replaces threonine 3837 with isoleucine.
Molecular consequence: missense variant.
Genome position (GRCh38, 1-based): chr19:38,535,386, C>T. VCF-style: chr19-38535386-C-T. GRCh37 (hg19) VCF-style: chr19-39026026-C-T.
Other names: c.11495C>T, p.Thr3832Ile (NM_001042723.2); short protein forms T3832I, T3837I.
Identifiers: ClinVar variation 3071778 (VCV003071778.4), dbSNP rs1386308033, ClinGen allele CA405656208.